The following is an entry in ClinVar:

NM_002292.4(LAMB2):c.2219G>T (p.Arg740Leu)

Gene: LAMB2 (laminin subunit beta 2; minus strand). Cytogenetic location: 3p21.31.
Variant type: single nucleotide variant.
Coding change: c.2219G>T on transcript NM_002292.4 (MANE Select); coding-DNA position 2219, G replaced by T.
Protein change: p.Arg740Leu; replaces arginine 740 with leucine.
Molecular consequence: missense variant.
Genome position (GRCh38, 1-based): chr3:49,126,092, C>A on the plus strand (G>T on the coding strand, the complement: LAMB2 is on the minus strand). VCF-style: chr3-49126092-C-A. GRCh37 (hg19) VCF-style: chr3-49163525-C-A.
Other names: short protein forms R740L.
Identifiers: ClinVar variation 859093 (VCV000859093.7), dbSNP rs781721930, ClinGen allele CA352725976.

ClinVar aggregate classification (germline): Uncertain significance (1 of 4 stars; one submission).

Conditions:
LAMB2-related infantile-onset nephrotic syndrome. Also called: Nephrotic Syndrome, type 5; NEPHROTIC SYNDROME, TYPE 5, WITHOUT OCULAR ABNORMALITIES; NEPHROTIC SYNDROME, TYPE 5, WITH OCULAR ABNORMALITIES. Identifiers: Orphanet 306507, MedGen C3280113, MONDO:0013621, OMIM 614199.
Pierson syndrome. Also called: MICROCORIA-CONGENITAL NEPHROTIC SYNDROME. Identifiers: Orphanet 2670, MedGen C1836876, MONDO:0012184, OMIM 609049.

gnomAD v4.1: 3 of 1,613,916 alleles (0.00019%); highest among the groups gnomAD compares: South Asian, 0.0033%; no homozygotes.

Submission:

Labcorp Genetics (formerly Invitae), Labcorp
Classification: Uncertain significance for LAMB2-related infantile-onset nephrotic syndrome; Pierson syndrome. Last evaluated: 2019-12-06. Review status: criteria provided, single submitter. Criteria: Invitae Variant Classification Sherloc (09022015). Collection method: clinical testing. Allele origin: germline.
Comment: In summary, the available evidence is currently insufficient to determine the role of this variant in disease. Therefore, it has been classified as a Variant of Uncertain Significance. Algorithms developed to predict the effect of missense changes on protein structure and function (SIFT, PolyPhen-2, Align-GVGD) all suggest that this variant is likely to be disruptive, but these predictions have not been confirmed by published functional studies and their clinical significance is uncertain. This variant has not been reported in the literature in individuals with LAMB2-related conditions. This variant is not present in population databases (ExAC no frequency). This sequence change replaces arginine with leucine at codon 740 of the LAMB2 protein (p.Arg740Leu). The arginine residue is highly conserved and there is a moderate physicochemical difference between arginine and leucine.